The following is an entry in ClinVar:

NM_000488.4(SERPINC1):c.482G>A (p.Arg161Gln)

Gene: SERPINC1 (serpin family C member 1; minus strand). Cytogenetic location: 1q25.1.
Variant type: single nucleotide variant.
Coding change: c.482G>A on transcript NM_000488.4 (MANE Select); coding-DNA position 482, G replaced by A.
Protein change: p.Arg161Gln; replaces arginine 161 with glutamine.
Molecular consequence: missense variant. On other transcripts: intron variant (1).
Genome position (GRCh38, 1-based): chr1:173,911,941, C>T on the plus strand (G>A on the coding strand, the complement: SERPINC1 is on the minus strand). VCF-style: chr1-173911941-C-T. GRCh37 (hg19) VCF-style: chr1-173881079-C-T.
Other names: R129Q; NM_000488.4(SERPINC1):c.482G>A; c.338G>A, p.Arg113Gln (NM_001365052.2); c.482G>A, p.Arg161Gln (NM_001386302.1, NM_001386304.1, NM_001386305.1); c.563G>A, p.Arg188Gln (NM_001386303.1); c.409-1050G>A (NM_001386306.1); short protein forms R161Q, R113Q, R188Q.
Identifiers: ClinVar variation 18030 (VCV000018030.8), dbSNP rs121909563, ClinGen allele CA210779.
Genomic context (GRCh38, chr1:173,911,941, plus strand): 5'-TCTCCAAAAAGGCGATTGGCTGATACTAACTTGGAGGATTTGTTGGCTTTTCGATAGAGT[C>T]GGCAGTTCAGTTTGGCAAAGAAGAAGTGGATCTGATCAGATGTTTTCTCAGATATGGTGT-3'
Protein context (NP_000479.1, residues 151-171): IHFFFAKLNC[Arg161Gln]LYRKANKSSK

ClinVar aggregate classification (germline): Pathogenic. Review status: reviewed by expert panel (3 of 4 stars). 5 submissions from 5 submitters: Pathogenic (1). 4 of the submissions do not count toward it. Last evaluated 2024-07-03.

Conditions:
Hereditary antithrombin deficiency (AT3D). Also called: Antithrombin III deficiency; Thrombophilia due to antithrombin III deficiency; Reduced antithrombin III activity; Antithrombin deficiency. Identifiers: Orphanet 82, MedGen C0272375, MONDO:0013144, OMIM 613118, HP:0001976.

Allele frequency attached by ClinVar (database versions not stated): TOPMed 0.00001.
gnomAD v4.1: 22 of 1,614,054 alleles (0.0014%); highest among the groups gnomAD compares: Non-Finnish European, 0.0019%; no homozygotes.

Submissions (5):

Clingen Thrombosis Variant Curation Expert Panel, ClinGen
Classification: Pathogenic for Hereditary antithrombin deficiency. Last evaluated: 2024-07-03. Review status: reviewed by expert panel. Criteria: ClinGen ACMG Specifications SERPINC1 V1.0.0. Collection method: curation. Allele origin: germline. Inheritance: Autosomal dominant inheritance.
Comment: The c.482G>A (NM_000488.3) variant in SERPINC1 is a missense variant predicted to cause substitution of arginine by glutamine at amino acid 161 (p.Arg161Gln also known as ATIII Geneva). The highest population minor allele frequency in gnomAD v2.1.1 is 0.000008790 (1/113762 alleles) in the European population, which is lower than the ClinGen SERPINC1 threshold ([<0.00002]) for PM2, and therefore meets this criterion (PM2_supporting). The computational predictor REVEL gives a score of 0.691, which is above the threshold of >0.6 and provides evidence that correlates with impact to SERPINC1 function, meeting criteria for PP3. The variant has been reported in at least 9 probands with AT deficiency in the literature (9 points applied PMID 28300866, PMID 2229057, PMID 3603409). In summary, this variant meets criteria to be classified as likely pathogenic. ACMG/AMP criteria applied, as specified by the Thrombosis Variant Curation Expert Panel for SERPINC1: PM2_supporting, PP3, PS4_very strong.

Mayo Clinic Laboratories, Mayo Clinic
Classification: Pathogenic. Last evaluated: 2025-07-03. Review status: criteria provided, single submitter. Criteria: ACMG Guidelines, 2015. Collection method: clinical testing. Allele origin: germline. Observed: 1 variant allele. Not counted in ClinVar's aggregate classification.
Comment: PP3, PP5, PM2_supporting, PS4_very_strong

OMIM
Classification: Pathogenic for THROMBOPHILIA DUE TO ANTITHROMBIN III DEFICIENCY. Last evaluated: 1990-11-05. Review status: no assertion criteria provided. Collection method: literature only. Allele origin: germline. Not counted in ClinVar's aggregate classification.

ISTH-SSC Genomics in Thrombosis and Hemostasis, KU Leuven, Center for Molecular and Vascular Biology
Classification: Pathogenic for Hereditary antithrombin deficiency. Review status: no assertion criteria provided. Collection method: clinical testing. Allele origin: unknown. Affected: yes. Not counted in ClinVar's aggregate classification.
Comment: Submitted to GoldVariant by Bilal Jradeh from Katharine Dormandy Haemophilia and Thrombosis Centre, Royal Free Hospital, London, UK

CSER _CC_NCGL, University of Washington
Classification: Uncertain significance for Antithrombin deficiency. Last evaluated: 2014-06-01. Review status: flagged submission. Collection method: research. Allele origin: germline. Inheritance: Autosomal dominant inheritance. Study: ESP 6500 variant annotation. Not counted in ClinVar's aggregate classification.
Comment: Variants classified for the Actionable exomic incidental findings in 6503 participants: challenges of variant classification manuscript
ClinVar note: Reason: Conflicts with expert reviewed submission without evidence to support different classification

Literature cited by the submitters: PubMed 19141163 (cited by Mayo Clinic Laboratories, Mayo Clinic); PubMed 2229057 (cited by Mayo Clinic Laboratories, Mayo Clinic and OMIM); PubMed 24196373 (cited by Mayo Clinic Laboratories, Mayo Clinic); PubMed 25784135 (cited by Mayo Clinic Laboratories, Mayo Clinic); PubMed 27281301 (cited by Mayo Clinic Laboratories, Mayo Clinic); PubMed 28300866 (cited by Mayo Clinic Laboratories, Mayo Clinic); PubMed 3603409 (cited by Mayo Clinic Laboratories, Mayo Clinic); PubMed 9746774 (cited by Mayo Clinic Laboratories, Mayo Clinic).